The following is an entry in ClinVar:

NM_000090.4(COL3A1):c.3451G>T (p.Asp1151Tyr)

Gene: COL3A1 (collagen type III alpha 1 chain; plus strand). Cytogenetic location: 2q32.2.
Variant type: single nucleotide variant.
Coding change: c.3451G>T on transcript NM_000090.4 (MANE Select); coding-DNA position 3451, G replaced by T.
Protein change: p.Asp1151Tyr; replaces aspartic acid 1151 with tyrosine.
Molecular consequence: missense variant.
Genome position (GRCh38, 1-based): chr2:189,008,068, G>T. VCF-style: chr2-189008068-G-T. GRCh37 (hg19) VCF-style: chr2-189872794-G-T.
Other names: short protein forms D1151Y.
Identifiers: ClinVar variation 3074877 (VCV003074877.1), dbSNP rs1688635701, ClinGen allele CA349846429.

ClinVar aggregate classification (germline): Uncertain significance (1 of 4 stars; one submission).

Conditions:
Ehlers-Danlos syndrome, type 4 (EDSVASC). Also called: Ehlers-Danlos Syndrome Type IV; Ehlers-Danlos syndrome vascular type; Ehlers Danlos syndrome, ecchymotic type; Ehlers Danlos syndrome, arterial type; Ehlers Danlos syndrome, Sack-Barabas type. Identifiers: Orphanet 286, MedGen C0268338, MONDO:0017314, OMIM 130050.

Submission:

All of Us Research Program, National Institutes of Health
Classification: Uncertain significance for Ehlers-Danlos syndrome, type 4. Last evaluated: 2023-12-13. Review status: criteria provided, single submitter. Criteria: ACMG Guidelines, 2015. Collection method: clinical testing. Allele origin: germline. Inheritance: Autosomal dominant inheritance. Observed: 1 variant allele, 1 heterozygote.
Comment: This missense variant replaces aspartic acid with tyrosine at codon 1151 of the COL3A1 protein. Computational prediction suggests that this variant may have deleterious impact on protein structure and function (internally defined REVEL score threshold >= 0.7, PMID: 27666373). To our knowledge, functional studies have not been reported for this variant. This variant has not been reported in individuals affected with COL3A1-related disorders in the literature. This variant has not been identified in the general population by the Genome Aggregation Database (gnomAD). The available evidence is insufficient to determine the role of this variant in disease conclusively. Therefore, this variant is classified as a Variant of Uncertain Significance.

This study involves interpretation of variants in research participants for the purpose of population health screening. Participant phenotype was not available at the time of variant classification. Additional details can be found in publication PMID: 35346344, PMCID: PMC8962531